The following is an entry in ClinVar:

ClinVar aggregate classification (germline): Uncertain significance (0 of 4 stars; one submission).

Conditions:
RAI1-related disorder. Also called: RAI1-related condition.

Submission:

PreventionGenetics, part of Exact Sciences
Classification: Uncertain significance for RAI1-related condition. Last evaluated: 2024-03-18. Review status: no assertion criteria provided. Collection method: clinical testing. Allele origin: germline.
Comment: The RAI1 c.3816G>T variant is predicted to result in the amino acid substitution p.Arg1272Ser. To our knowledge, this variant has not been reported in the literature or in a large population database, indicating this variant is rare. At this time, the clinical significance of this variant is uncertain due to the absence of conclusive functional and genetic evidence.

NM_030665.4(RAI1):c.3816G>T (p.Arg1272Ser)

Gene: RAI1 (retinoic acid induced 1; plus strand). Cytogenetic location: 17p11.2.
Variant type: single nucleotide variant.
Coding change: c.3816G>T on transcript NM_030665.4 (MANE Select); coding-DNA position 3816, G replaced by T.
Protein change: p.Arg1272Ser; replaces arginine 1272 with serine.
Molecular consequence: missense variant.
Genome position (GRCh38, 1-based): chr17:17,796,764, G>T. VCF-style: chr17-17796764-G-T. GRCh37 (hg19) VCF-style: chr17-17700078-G-T.
Other names: short protein forms R1272S.
Identifiers: ClinVar variation 3348979 (VCV003348979.1).
Genomic context (GRCh38, chr17:17,796,764, plus strand): 5'-TGGCAATGGGGGAGATGGGAAGGAGGAGAGGCCTGAGGGTTCCCCCACCCTCTTCAAGAG[G>T]ATGTCTTCTCCCAAGAAAGCCAAGCCCACCAAGGGCAATGGCGAGCCTGCCACAAAGCTC-3'
Protein context (NP_109590.3, residues 1262-1282): RPEGSPTLFK[Arg1272Ser]MSSPKKAKPT